The following is an entry in ClinVar:

ClinVar aggregate classification (germline): Uncertain significance (1 of 4 stars; one submission).

Allele frequency attached by ClinVar (database versions not stated): ExAC 0.00001; gnomAD exomes 0.00002; TOPMed 0.00002; gnomAD 0.00003.
gnomAD v4.1: 29 of 1,598,458 alleles (0.0018%); highest among the groups gnomAD compares: Non-Finnish European, 0.0025%; no homozygotes.

Submission:

Labcorp Genetics (formerly Invitae), Labcorp
Classification: Uncertain significance. Last evaluated: 2025-09-27. Review status: criteria provided, single submitter. Criteria: Invitae Variant Classification Sherloc (09022015). Collection method: clinical testing. Allele origin: germline.
Comment: This sequence change falls in intron 14 of the ATP6V1A gene. It does not directly change the encoded amino acid sequence of the ATP6V1A protein. It affects a nucleotide within the consensus splice site. This variant is present in population databases (rs748763174, gnomAD 0.002%). This variant has not been reported in the literature in individuals affected with ATP6V1A-related conditions. ClinVar contains an entry for this variant (Variation ID: 1906642). Variants that disrupt the consensus splice site are a relatively common cause of aberrant splicing (PMID: 17576681, 9536098). Algorithms developed to predict the effect of sequence changes on RNA splicing suggest that this variant is not likely to affect RNA splicing. In summary, the available evidence is currently insufficient to determine the role of this variant in disease. Therefore, it has been classified as a Variant of Uncertain Significance.

Literature cited by the submitters: PubMed 17576681; PubMed 9536098.

NM_001690.4(ATP6V1A):c.1761+5A>T

Gene: ATP6V1A (ATPase H+ transporting V1 subunit A; plus strand). Cytogenetic location: 3q13.31.
Variant type: single nucleotide variant.
Coding change: c.1761+5A>T on transcript NM_001690.4 (MANE Select); 5 bases into the intron after coding-DNA position 1761, A replaced by T.
Molecular consequence: intron variant.
Genome position (GRCh38, 1-based): chr3:113,805,530, A>T. VCF-style: chr3-113805530-A-T. GRCh37 (hg19) VCF-style: chr3-113524377-A-T.
Identifiers: ClinVar variation 1906642 (VCV001906642.5), dbSNP rs748763174, ClinGen allele CA2548147.